The following is an entry in ClinVar:

ClinVar aggregate classification (germline): Uncertain significance. Review status: criteria provided, multiple submitters, no conflicts (2 of 4 stars). 2 submissions from 2 submitters: Uncertain significance (2). Last evaluated 2026-03-31.

Conditions:
Familial hypobetalipoproteinemia 1. Also called: Hypobetalipoproteinemia, normotriglyceridemic; Acanthocytosis with hypobetalipoproteinemia; APOB-Related Familial Hypobetalipoproteinemia. Identifiers: MedGen C4551990, MONDO:0014252, OMIM 615558.
Hypercholesterolemia, autosomal dominant, type B (FHCL2). Also called: Familial Hypercholesterolemia Type B; Hyperlipoproteinemia Type IIb; Familial hypercholesterolemia 2; APOB-Related Familial Hypercholesterolemia, Autosomal Dominant; APOLIPOPROTEIN B-100, FAMILIAL DEFECTIVE; APOLIPOPROTEIN B-100, FAMILIAL LIGAND-DEFECTIVE. Identifiers: MedGen C1704417, MONDO:0007751, OMIM 144010.

Allele frequency attached by ClinVar (database versions not stated): gnomAD 0.00001.
gnomAD v4.1: 3 of 1,613,906 alleles (0.00019%); highest among the groups gnomAD compares: African/African-American, 0.0013%; no homozygotes.

Submissions (2):

GeneDx
Classification: Uncertain significance. Last evaluated: 2026-03-31. Review status: criteria provided, single submitter. Criteria: GeneDx Variant Classification Process June 2021. Collection method: clinical testing. Allele origin: germline.
Comment: Not observed at significant frequency in large population cohorts (gnomAD); In silico analysis supports that this missense variant has a deleterious effect on protein structure/function; Has not been previously published as pathogenic or benign to our knowledge

Labcorp Genetics (formerly Invitae), Labcorp
Classification: Uncertain significance for Familial hypobetalipoproteinemia 1; Hypercholesterolemia, autosomal dominant, type B. Last evaluated: 2019-08-21. Review status: criteria provided, single submitter. Criteria: Invitae Variant Classification Sherloc (09022015). Collection method: clinical testing. Allele origin: germline.
Comment: This sequence change replaces leucine with tryptophan at codon 2893 of the APOB protein (p.Leu2893Trp). The leucine residue is moderately conserved and there is a small physicochemical difference between leucine and tryptophan. This variant is not present in population databases (ExAC no frequency). This variant has not been reported in the literature in individuals with APOB-related conditions. Algorithms developed to predict the effect of missense changes on protein structure and function are either unavailable or do not agree on the potential impact of this missense change (SIFT: "Deleterious"; PolyPhen-2: "Probably Damaging"; Align-GVGD: "Class C0"). In summary, the available evidence is currently insufficient to determine the role of this variant in disease. Therefore, it has been classified as a Variant of Uncertain Significance.

NM_000384.3(APOB):c.8678T>G (p.Leu2893Trp)

Gene: APOB (apolipoprotein B; minus strand). Cytogenetic location: 2p24.1.
Variant type: single nucleotide variant.
Coding change: c.8678T>G on transcript NM_000384.3 (MANE Select); coding-DNA position 8678, T replaced by G.
Protein change: p.Leu2893Trp; replaces leucine 2893 with tryptophan.
Molecular consequence: missense variant.
Genome position (GRCh38, 1-based): chr2:21,008,190, A>C on the plus strand (T>G on the coding strand, the complement: APOB is on the minus strand). VCF-style: chr2-21008190-A-C. GRCh37 (hg19) VCF-style: chr2-21231062-A-C.
Other names: short protein forms L2893W.
Identifiers: ClinVar variation 940146 (VCV000940146.13), dbSNP rs1663203451, ClinGen allele CA345993603.
Genomic context (GRCh38, chr2:21,008,190, plus strand): 5'-AGTGTCTTGATCTCGTTGCGCAGGTCAGCCTGACTAGAGAAGTCCAGTTTGGGGATGTTC[A>C]ATTTGTGGAAGTATTTAGTGTTGCTATCCAGGGTAAGCTGATTGTTTATCTTGACAATCA-3'
Protein context (NP_000375.3, residues 2883-2903): LDSNTKYFHK[Leu2893Trp]NIPKLDFSSQ